The following is an entry in ClinVar:

NM_000465.4(BARD1):c.1924A>G (p.Arg642Gly)

Gene: BARD1 (BRCA1 associated RING domain 1; minus strand). Cytogenetic location: 2q35.
Variant type: single nucleotide variant.
Coding change: c.1924A>G on transcript NM_000465.4 (MANE Select); coding-DNA position 1924, A replaced by G.
Protein change: p.Arg642Gly; replaces arginine 642 with glycine.
Molecular consequence: missense variant. On other transcripts: non-coding transcript variant (3).
Genome position (GRCh38, 1-based): chr2:214,730,488, T>C on the plus strand (A>G on the coding strand, the complement: BARD1 is on the minus strand). VCF-style: chr2-214730488-T-C. GRCh37 (hg19) VCF-style: chr2-215595212-T-C.
Other names: c.1867A>G, p.Arg623Gly (NM_001282543.2); c.571A>G, p.Arg191Gly (NM_001282545.2); c.514A>G, p.Arg172Gly (NM_001282548.2); c.385A>G, p.Arg129Gly (NM_001282549.2); short protein forms R642G, R129G, R191G, R172G, R623G.
Identifiers: ClinVar variation 479135 (VCV000479135.12), dbSNP rs765487816, ClinGen allele CA2090114.

ClinVar aggregate classification (germline): Conflicting classifications of pathogenicity. Review status: criteria provided, conflicting classifications (1 of 4 stars). 4 submissions from 4 submitters: Uncertain significance (2); Likely benign (2). Last evaluated 2025-09-05.

Conditions:
Hereditary cancer-predisposing syndrome. Also called: Neoplastic Syndromes, Hereditary; Hereditary Cancer Syndrome; Hereditary neoplastic syndrome; Tumor predisposition. Identifiers: Orphanet 140162, MedGen C0027672, MeSH D009386, MONDO:0015356.
Familial cancer of breast. Also called: BREAST CANCER, FAMILIAL; hereditary breast carcinoma; Hereditary breast cancer. Identifiers: Orphanet 227535, MedGen C0346153, MONDO:0016419, OMIM 114480. Disease mechanism: loss of function.

Allele frequency attached by ClinVar (database versions not stated): ExAC 0.00001.
gnomAD v4.1: 3 of 1,613,996 alleles (0.00019%); highest among the groups gnomAD compares: South Asian, 0.0022%; no homozygotes.

Submissions (4):

Color Diagnostics, LLC DBA Color Health
Classification: Likely benign for Hereditary cancer-predisposing syndrome. Last evaluated: 2025-09-05. Review status: criteria provided, single submitter. Criteria: ACMG Guidelines, 2015. Collection method: clinical testing. Allele origin: germline.

Labcorp Genetics (formerly Invitae), Labcorp
Classification: Uncertain significance for Familial cancer of breast. Last evaluated: 2025-04-18. Review status: criteria provided, single submitter. Criteria: Invitae Variant Classification Sherloc (09022015). Collection method: clinical testing. Allele origin: germline.
Comment: This sequence change replaces arginine, which is basic and polar, with glycine, which is neutral and non-polar, at codon 642 of the BARD1 protein (p.Arg642Gly). This variant is present in population databases (rs765487816, gnomAD no frequency). This variant has not been reported in the literature in individuals affected with BARD1-related conditions. ClinVar contains an entry for this variant (Variation ID: 479135). An algorithm developed to predict the effect of missense changes on protein structure and function (PolyPhen-2) suggests that this variant is likely to be tolerated. Experimental studies have shown that this missense change does not substantially affect BARD1 function (PMID: 30925164). In summary, the available evidence is currently insufficient to determine the role of this variant in disease. Therefore, it has been classified as a Variant of Uncertain Significance.

Department of Pathology and Laboratory Medicine, Sinai Health System
Classification: Uncertain significance for Familial cancer of breast. Last evaluated: 2023-05-10. Review status: criteria provided, single submitter. Criteria: ACMG Guidelines, 2015. Collection method: clinical testing. Allele origin: germline. Affected: yes.

Ambry Genetics
Classification: Likely benign for Hereditary cancer-predisposing syndrome. Last evaluated: 2022-07-01. Review status: criteria provided, single submitter. Criteria: Ambry Variant Classification Scheme 2023. Collection method: clinical testing. Allele origin: germline.

Literature cited by the submitters: PubMed 30925164 (cited by Labcorp Genetics (formerly Invitae), Labcorp and Ambry Genetics).